The following is an entry in ClinVar:

ClinVar aggregate classification (germline): Uncertain significance (1 of 4 stars; one submission).

Conditions:
Pitt-Hopkins-like syndrome 2 (PTHSL2). Identifiers: Orphanet 221150, Orphanet 600663, MedGen C3280479, MONDO:0013690, OMIM 614325.

Allele frequency attached by ClinVar (database versions not stated): gnomAD exomes below 0.00001; TOPMed below 0.00001.
gnomAD v4.1: 2 of 1,599,322 alleles (0.00013%); highest among the groups gnomAD compares: Non-Finnish European, 0.00017%; no homozygotes.

Submission:

Labcorp Genetics (formerly Invitae), Labcorp
Classification: Uncertain significance for Pitt-Hopkins-like syndrome 2. Last evaluated: 2023-07-09. Review status: criteria provided, single submitter. Criteria: Invitae Variant Classification Sherloc (09022015). Collection method: clinical testing. Allele origin: germline.
Comment: This variant is not present in population databases (gnomAD no frequency). This sequence change replaces glycine, which is neutral and non-polar, with serine, which is neutral and polar, at codon 87 of the NRXN1 protein (p.Gly87Ser). This variant has not been reported in the literature in individuals affected with NRXN1-related conditions. In summary, the available evidence is currently insufficient to determine the role of this variant in disease. Therefore, it has been classified as a Variant of Uncertain Significance. An algorithm developed to predict the effect of missense changes on protein structure and function (PolyPhen-2) suggests that this variant is likely to be disruptive.

NM_001330078.2(NRXN1):c.259G>A (p.Gly87Ser)

Gene: NRXN1 (neurexin 1; minus strand). Cytogenetic location: 2p16.3.
Variant type: single nucleotide variant.
Coding change: c.259G>A on transcript NM_001330078.2 (MANE Select); coding-DNA position 259, G replaced by A.
Protein change: p.Gly87Ser; replaces glycine 87 with serine.
Molecular consequence: missense variant.
Genome position (GRCh38, 1-based): chr2:51,028,015, C>T on the plus strand (G>A on the coding strand, the complement: NRXN1 is on the minus strand). VCF-style: chr2-51028015-C-T. GRCh37 (hg19) VCF-style: chr2-51255153-C-T.
Other names: c.259G>A, p.Gly87Ser (NM_001135659.3, NM_001330077.2, NM_001330079.2 and 15 more transcripts); short protein forms G87S.
Identifiers: ClinVar variation 2784660 (VCV002784660.3), dbSNP rs1190594569, ClinGen allele CA346824364.